The following is an entry in ClinVar:

ClinVar aggregate classification (germline): Uncertain significance (1 of 4 stars; one submission).

Allele frequency attached by ClinVar (database versions not stated): gnomAD exomes below 0.00001.
gnomAD v4.1: 1 of 1,588,172 alleles (0.000063%); highest among the groups gnomAD compares: Non-Finnish European, 0.000086%; no homozygotes.

Submission:

Labcorp Genetics (formerly Invitae), Labcorp
Classification: Uncertain significance. Last evaluated: 2021-08-11. Review status: criteria provided, single submitter. Criteria: Invitae Variant Classification Sherloc (09022015). Collection method: clinical testing. Allele origin: germline.
Comment: This sequence change replaces leucine with proline at codon 997 of the MPDZ protein (p.Leu997Pro). The leucine residue is highly conserved and there is a moderate physicochemical difference between leucine and proline. This variant is not present in population databases (ExAC no frequency). This variant has not been reported in the literature in individuals affected with MPDZ-related conditions. Algorithms developed to predict the effect of missense changes on protein structure and function are either unavailable or do not agree on the potential impact of this missense change (SIFT: "Deleterious"; PolyPhen-2: "Benign"; Align-GVGD: "Class C25"). In summary, the available evidence is currently insufficient to determine the role of this variant in disease. Therefore, it has been classified as a Variant of Uncertain Significance.

NM_001378778.1(MPDZ):c.2990T>C (p.Leu997Pro)

Gene: MPDZ (multiple PDZ domain crumbs cell polarity complex component; minus strand). Cytogenetic location: 9p23.
Variant type: single nucleotide variant.
Coding change: c.2990T>C on transcript NM_001378778.1 (MANE Select); coding-DNA position 2990, T replaced by C.
Protein change: p.Leu997Pro; replaces leucine 997 with proline.
Molecular consequence: missense variant.
Genome position (GRCh38, 1-based): chr9:13,175,817, A>G on the plus strand (T>C on the coding strand, the complement: MPDZ is on the minus strand). VCF-style: chr9-13175817-A-G. GRCh37 (hg19) VCF-style: chr9-13175816-A-G.
Other names: c.2990T>C, p.Leu997Pro (NM_001261406.2, NM_001261407.2, NM_001330637.2 and 14 more transcripts); short protein forms L997P.
Identifiers: ClinVar variation 1505722 (VCV001505722.6), dbSNP rs2134171829, ClinGen allele CA372934793.